The following is an entry in ClinVar:

NM_001130082.3(PLXNB1):c.853A>G (p.Arg285Gly)

Gene: PLXNB1 (plexin B1; minus strand). Cytogenetic location: 3p21.31.
Variant type: single nucleotide variant.
Coding change: c.853A>G on transcript NM_001130082.3 (MANE Select); coding-DNA position 853, A replaced by G.
Protein change: p.Arg285Gly; replaces arginine 285 with glycine.
Molecular consequence: missense variant.
Genome position (GRCh38, 1-based): chr3:48,423,759, T>C on the plus strand (A>G on the coding strand, the complement: PLXNB1 is on the minus strand). VCF-style: chr3-48423759-T-C. GRCh37 (hg19) VCF-style: chr3-48465168-T-C.
Other names: c.853A>G, p.Arg285Gly (NM_002673.6); short protein forms R285G.
Identifiers: ClinVar variation 3050833 (VCV003050833.2), dbSNP rs148953234, ClinGen allele CA2375271.
Genomic context (GRCh38, chr3:48,423,759, plus strand): 5'-CAGTGGGGGGTGCAGCCGAGGAGAAAGCTGCAAAGAGCACCTCCCCATGCGCCACCTCCC[T>C]GGACGTGGCCACAGCTGCAGCCTGGATCAGCCCGTAGCGGCCACCTTCGCAGGCCAGAGG-3'
Protein context (NP_001123554.1, residues 275-295): LIQAAAVATS[Arg285Gly]EVAHGEVLFA

ClinVar aggregate classification (germline): Benign (0 of 4 stars; one submission).

Conditions:
PLXNB1-related disorder. Also called: PLXNB1-related condition.

Allele frequency attached by ClinVar (database versions not stated): ESP Exome Variant Server 0.00008; gnomAD exomes 0.00043; gnomAD 0.00085; TOPMed 0.00119; ExAC 0.00155; 1000 Genomes Project 30x 0.00328; 1000 Genomes Project 0.00379.

Submission:

PreventionGenetics, part of Exact Sciences
Classification: Benign for PLXNB1-related condition. Last evaluated: 2019-07-12. Review status: no assertion criteria provided. Collection method: clinical testing. Allele origin: germline.
Comment: This variant is classified as benign based on ACMG/AMP sequence variant interpretation guidelines (Richards et al. 2015 PMID: 25741868, with internal and published modifications).